The following is an entry in ClinVar:

NM_000094.4(COL7A1):c.2813G>A (p.Gly938Glu)

Gene: COL7A1 (collagen type VII alpha 1 chain; minus strand). Cytogenetic location: 3p21.31.
Variant type: single nucleotide variant.
Coding change: c.2813G>A on transcript NM_000094.4 (MANE Select); coding-DNA position 2813, G replaced by A.
Protein change: p.Gly938Glu; replaces glycine 938 with glutamic acid.
Molecular consequence: missense variant.
Genome position (GRCh38, 1-based): chr3:48,587,837, C>T on the plus strand (G>A on the coding strand, the complement: COL7A1 is on the minus strand). VCF-style: chr3-48587837-C-T. GRCh37 (hg19) VCF-style: chr3-48625270-C-T.
Other names: short protein forms G938E.
Identifiers: ClinVar variation 1510747 (VCV001510747.8), dbSNP rs2045384688, ClinGen allele CA352715640.
Genomic context (GRCh38, chr3:48,587,837, plus strand): 5'-GGTGAGGCAGGCTTACCAGTGCGCGCAGTCACCTCTGCAGAGGGCCCTTCTCCAGCTGGC[C>T]CTAGGACACTCAGCCTCACGCGGTACTGTGTCGCTGGCTCCAGCCCGTCCAGGTGATAGC-3'
Protein context (NP_000085.1, residues 928-948): TQYRVRLSVL[Gly938Glu]PAGEGPSAEV

ClinVar aggregate classification (germline): Uncertain significance (1 of 4 stars; one submission).

Submission:

Labcorp Genetics (formerly Invitae), Labcorp
Classification: Uncertain significance. Last evaluated: 2023-11-27. Review status: criteria provided, single submitter. Criteria: Invitae Variant Classification Sherloc (09022015). Collection method: clinical testing. Allele origin: germline.
Comment: This sequence change replaces glycine, which is neutral and non-polar, with glutamic acid, which is acidic and polar, at codon 938 of the COL7A1 protein (p.Gly938Glu). This variant is not present in population databases (gnomAD no frequency). This variant has not been reported in the literature in individuals affected with COL7A1-related conditions. ClinVar contains an entry for this variant (Variation ID: 1510747). Advanced modeling of protein sequence and biophysical properties (such as structural, functional, and spatial information, amino acid conservation, physicochemical variation, residue mobility, and thermodynamic stability) performed at Invitae indicates that this missense variant is not expected to disrupt COL7A1 protein function with a negative predictive value of 95%. In summary, the available evidence is currently insufficient to determine the role of this variant in disease. Therefore, it has been classified as a Variant of Uncertain Significance.